The following is an entry in ClinVar:

NM_001376.5(DYNC1H1):c.9827T>G (p.Met3276Arg)

Gene: DYNC1H1 (dynein cytoplasmic 1 heavy chain 1; plus strand). Cytogenetic location: 14q32.31.
Variant type: single nucleotide variant.
Coding change: c.9827T>G on transcript NM_001376.5 (MANE Select); coding-DNA position 9827, T replaced by G.
Protein change: p.Met3276Arg; replaces methionine 3276 with arginine.
Molecular consequence: missense variant.
Genome position (GRCh38, 1-based): chr14:102,030,226, T>G. VCF-style: chr14-102030226-T-G. GRCh37 (hg19) VCF-style: chr14-102496563-T-G.
Other names: short protein forms M3276R.
Identifiers: ClinVar variation 2231410 (VCV002231410.5), dbSNP rs1199619119, ClinGen allele CA391018211.

ClinVar aggregate classification (germline): Uncertain significance. Review status: criteria provided, multiple submitters, no conflicts (2 of 4 stars). 2 submissions from 2 submitters: Uncertain significance (2). Last evaluated 2024-10-16.

Conditions:
Inborn genetic diseases. Identifiers: MedGen C0950123, MeSH D030342.
Charcot-Marie-Tooth disease axonal type 2O. Also called: CHARCOT-MARIE-TOOTH NEUROPATHY, AXONAL, TYPE 2O; CHARCOT-MARIE-TOOTH DISEASE, AXONAL, AUTOSOMAL DOMINANT, TYPE 2O; Charcot-Marie-Tooth Neuropathy Type 2O; Charcot-Marie-Tooth disease, axonal, type 20. Identifiers: Orphanet 284232, MedGen C3280220, MONDO:0013644, OMIM 614228.

gnomAD v4.1: 1 of 1,614,104 alleles (0.000062%); highest among the groups gnomAD compares: Non-Finnish European, 0.000085%; no homozygotes.

Submissions (2):

Labcorp Genetics (formerly Invitae), Labcorp
Classification: Uncertain significance for Charcot-Marie-Tooth disease axonal type 2O. Last evaluated: 2024-10-16. Review status: criteria provided, single submitter. Criteria: Invitae Variant Classification Sherloc (09022015). Collection method: clinical testing. Allele origin: germline.
Comment: This sequence change replaces methionine, which is neutral and non-polar, with arginine, which is basic and polar, at codon 3276 of the DYNC1H1 protein (p.Met3276Arg). This variant is not present in population databases (gnomAD no frequency). This variant has not been reported in the literature in individuals affected with DYNC1H1-related conditions. ClinVar contains an entry for this variant (Variation ID: 2231410). Invitae Evidence Modeling of protein sequence and biophysical properties (such as structural, functional, and spatial information, amino acid conservation, physicochemical variation, residue mobility, and thermodynamic stability) indicates that this missense variant is not expected to disrupt DYNC1H1 protein function with a negative predictive value of 95%. In summary, the available evidence is currently insufficient to determine the role of this variant in disease. Therefore, it has been classified as a Variant of Uncertain Significance.

Ambry Genetics
Classification: Uncertain significance for Inborn genetic diseases. Last evaluated: 2021-06-02. Review status: criteria provided, single submitter. Criteria: Ambry Variant Classification Scheme 2023. Collection method: clinical testing. Allele origin: germline.